The following is an entry in ClinVar:

NM_007194.4(CHEK2):c.1009-18G>C

Gene: CHEK2 (checkpoint kinase 2; minus strand). Cytogenetic location: 22q12.1.
Variant type: single nucleotide variant.
Coding change: c.1009-18G>C on transcript NM_007194.4 (MANE Select); 18 bases into the intron before coding-DNA position 1009, G replaced by C.
Molecular consequence: intron variant.
Genome position (GRCh38, 1-based): chr22:28,697,005, C>G on the plus strand (G>C on the coding strand, the complement: CHEK2 is on the minus strand). VCF-style: chr22-28697005-C-G. GRCh37 (hg19) VCF-style: chr22-29092993-C-G.
Other names: c.346-18G>C (NM_001437942.1, NM_001257387.3); c.808-18G>C (NM_001349956.3); c.1009-1132G>C (NM_145862.3); c.1102-1132G>C (NM_001438295.1); c.1102-18G>C (NM_001438293.1); c.1138-1132G>C (NM_001438294.1); c.1138-18G>C (NM_001005735.3).
Identifiers: ClinVar variation 2808837 (VCV002808837.4), dbSNP rs757393834, ClinGen allele CA10167750.

ClinVar aggregate classification (germline): Likely benign. Review status: criteria provided, multiple submitters, no conflicts (2 of 4 stars). 2 submissions from 2 submitters: Likely benign (2). Last evaluated 2024-10-04.

Conditions:
Familial cancer of breast. Also called: BREAST CANCER, FAMILIAL; hereditary breast carcinoma; Hereditary breast cancer. Identifiers: Orphanet 227535, MedGen C0346153, MONDO:0016419, OMIM 114480. Disease mechanism: loss of function.

Allele frequency attached by ClinVar (database versions not stated): ExAC 0.00001.
gnomAD v4.1: 1 of 1,520,174 alleles (0.000066%); highest among the groups gnomAD compares: South Asian, 0.0011%; no homozygotes.

Submissions (2):

Myriad Genetics, Inc.
Classification: Likely benign for Familial cancer of breast. Last evaluated: 2024-10-04. Review status: criteria provided, single submitter. Criteria: Myriad Autosomal Dominant, Autosomal Recessive and X-Linked Classification Criteria (2023). Collection method: clinical testing. Allele origin: unknown.
Comment: This variant is considered likely benign. This variant is intronic and is not expected to impact mRNA splicing.

Labcorp Genetics (formerly Invitae), Labcorp
Classification: Likely benign for Familial cancer of breast. Last evaluated: 2023-11-27. Review status: criteria provided, single submitter. Criteria: Invitae Variant Classification Sherloc (09022015). Collection method: clinical testing. Allele origin: germline.